The following is an entry in ClinVar:

NM_000302.4(PLOD1):c.1202+3G>A

Gene: PLOD1 (procollagen-lysine,2-oxoglutarate 5-dioxygenase 1; plus strand). Cytogenetic location: 1p36.22.
Variant type: single nucleotide variant.
Coding change: c.1202+3G>A on transcript NM_000302.4 (MANE Select); 3 bases into the intron after coding-DNA position 1202, G replaced by A.
Molecular consequence: intron variant.
Genome position (GRCh38, 1-based): chr1:11,963,639, G>A. VCF-style: chr1-11963639-G-A. GRCh37 (hg19) VCF-style: chr1-12023696-G-A.
Other names: c.1343+3G>A (NM_001316320.2).
Identifiers: ClinVar variation 508335 (VCV000508335.18), dbSNP rs370358836, ClinGen allele CA598315.

ClinVar aggregate classification (germline): Conflicting classifications of pathogenicity. Review status: criteria provided, conflicting classifications (1 of 4 stars). 7 submissions from 7 submitters: Uncertain significance (5); Likely benign (2). Last evaluated 2025-06-19.

Conditions:
Ehlers-Danlos syndrome, kyphoscoliotic type 1 (EDSKSCL1). Also called: Ehlers-Danlos syndrome, hydroxylysine-deficient; EHLERS-DANLOS SYNDROME, OCULAR-SCOLIOTIC TYPE; EHLERS-DANLOS SYNDROME, TYPE VIA; PLOD1-Related Kyphoscoliotic Ehlers-Danlos Syndrome. Identifiers: Orphanet 1900, MedGen C0268342, MONDO:0016002, OMIM 225400. Disease mechanism: loss of function.
Ehlers-Danlos syndrome (EDS). Identifiers: Orphanet 98249, MedGen C0013720, MONDO:0020066.
Familial thoracic aortic aneurysm and aortic dissection (TAAD). Also called: Thoracic aortic aneurysms and dissections. Identifiers: Orphanet 91387, MedGen C4707243, MONDO:0019625.

Allele frequency attached by ClinVar (database versions not stated): ExAC 0.00002; gnomAD exomes 0.00002 and 0.00005; gnomAD 0.00005; TOPMed 0.00006; ESP Exome Variant Server 0.00008.
gnomAD v4.1: 77 of 1,580,282 alleles (0.0049%); highest among the groups gnomAD compares: Middle Eastern, 0.017%; no homozygotes.

Submissions (7):

Women's Health and Genetics/Laboratory Corporation of America, LabCorp
Classification: Uncertain significance. Last evaluated: 2025-06-19. Review status: criteria provided, single submitter. Criteria: LabCorp Variant Classification Summary - May 2015. Collection method: clinical testing. Allele origin: germline.
Comment: Variant summary: PLOD1 c.1202+3G>A alters a conserved nucleotide located close to a canonical splice site and therefore could affect mRNA splicing, leading to a significantly altered protein sequence. Consensus agreement among computation tools predict no significant impact on normal splicing. However, these predictions have yet to be confirmed by functional studies. The variant allele was found at a frequency of 1.9e-05 in 205154 control chromosomes. The available data on variant occurrences in the general population are insufficient to allow any conclusion about variant significance. To our knowledge, no occurrence of c.1202+3G>A in individuals affected with Ehlers-Danlos syndrome and no experimental evidence demonstrating its impact on protein function have been reported. ClinVar contains an entry for this variant (Variation ID: 508335). Based on the evidence outlined above, the variant was classified as uncertain significance.

Ambry Genetics
Classification: Uncertain significance for Familial thoracic aortic aneurysm and aortic dissection. Last evaluated: 2025-01-23. Review status: criteria provided, single submitter. Criteria: Ambry Variant Classification Scheme 2023. Collection method: clinical testing. Allele origin: germline.
Comment: The c.1202+3G>A intronic variant results from a G to A substitution 3 nucleotides after coding exon 11 in the PLOD1 gene. This nucleotide position is not well conserved in available vertebrate species. In silico splice site analysis predicts that this alteration will not have any significant effect on splicing. Since supporting evidence is limited at this time, the clinical significance of this alteration remains unclear.

ARUP Laboratories, Molecular Genetics and Genomics, ARUP Laboratories
Classification: Uncertain significance for Ehlers-Danlos syndrome, kyphoscoliotic type 1. Last evaluated: 2024-08-09. Review status: criteria provided, single submitter. Criteria: ARUP Molecular Germline Variant Investigation Process 2024. Collection method: clinical testing. Allele origin: germline.
Comment: The POLD1 c.1202+3G>A variant (rs370358836), to our knowledge, is not reported in the medical literature but is reported in ClinVar (Variation ID: 508335). This variant is only observed on five alleles in the Genome Aggregation Database (v2.1.1), indicating it is not a common polymorphism. This is an intronic variant and computational analyses (Alamut Visual Plus v.1.5.1) predict that this variant does not alter splicing. However, since this variant is located within the minimal splice region, the clinical significance of this variant is uncertain at this time.

Blueprint Genetics
Classification: Likely benign. Last evaluated: 2023-01-02. Review status: criteria provided, single submitter. Criteria: ACMG Guidelines, 2015. Collection method: clinical testing. Allele origin: germline.

Genome Diagnostics Laboratory, The Hospital for Sick Children
Classification: Uncertain significance for Ehlers-Danlos syndrome. Last evaluated: 2020-04-01. Review status: criteria provided, single submitter. Criteria: ACMG Guidelines, 2015. Collection method: clinical testing. Allele origin: germline.

GeneDx
Classification: Likely benign. Last evaluated: 2019-08-05. Review status: criteria provided, single submitter. Criteria: GeneDx Variant Classification Process June 2021. Collection method: clinical testing. Allele origin: germline. Affected: yes.

Labcorp Genetics (formerly Invitae), Labcorp
Classification: Uncertain significance for Ehlers-Danlos syndrome, kyphoscoliotic type 1. Last evaluated: 2019-07-24. Review status: criteria provided, single submitter. Criteria: Invitae Variant Classification Sherloc (09022015). Collection method: clinical testing. Allele origin: germline.
Comment: This sequence change falls in intron 11 of the PLOD1 gene. It does not directly change the encoded amino acid sequence of the PLOD1 protein, but it affects a nucleotide within the consensus splice site of the intron. This variant is present in population databases (rs370358836, ExAC 0.004%). This variant has not been reported in the literature in individuals with PLOD1-related disease. Nucleotide substitutions within the consensus splice site are a relatively common cause of aberrant splicing (PMID: 17576681, 9536098). Algorithms developed to predict the effect of sequence changes on RNA splicing suggest that this variant is not likely to affect RNA splicing, but this prediction has not been confirmed by published transcriptional studies. In summary, the available evidence is currently insufficient to determine the role of this variant in disease. Therefore, it has been classified as a Variant of Uncertain Significance.

Literature cited by the submitters: PubMed 17576681 (cited by Labcorp Genetics (formerly Invitae), Labcorp); PubMed 9536098 (cited by Labcorp Genetics (formerly Invitae), Labcorp).